The following is an entry in ClinVar:

ClinVar aggregate classification (germline): Benign/Likely benign. Review status: criteria provided, multiple submitters, no conflicts (2 of 4 stars). 4 submissions from 4 submitters: Benign (2); Likely benign (1). 1 of the submissions does not count toward it. Last evaluated 2025-11-08.

Conditions:
BCL11B-related disorder. Also called: BCL11B-Related Disorders.

Allele frequency attached by ClinVar (database versions not stated): 1000 Genomes Project 30x 0.00016; 1000 Genomes Project 0.00020; TOPMed 0.00034; gnomAD 0.00056 and 0.00061; gnomAD exomes 0.00057 and 0.00075; ESP Exome Variant Server 0.00069; ExAC 0.00114.
gnomAD v4.1: 918 of 1,614,096 alleles (0.057%); highest among the groups gnomAD compares: Non-Finnish European, 0.064%; 2 homozygotes.

Submissions (4):

Labcorp Genetics (formerly Invitae), Labcorp
Classification: Benign. Last evaluated: 2025-11-08. Review status: criteria provided, single submitter. Criteria: Invitae Variant Classification Sherloc (09022015). Collection method: clinical testing. Allele origin: germline.

Blueprint Genetics
Classification: Likely benign. Last evaluated: 2024-10-01. Review status: criteria provided, single submitter. Criteria: ACMG Guidelines, 2015. Collection method: clinical testing. Allele origin: germline.

CeGaT Center for Human Genetics Tuebingen
Classification: Benign. Last evaluated: 2022-09-01. Review status: criteria provided, single submitter. Criteria: CeGaT Center For Human Genetics Tuebingen Variant Classification Criteria Version 2. Collection method: clinical testing. Allele origin: germline. Affected: yes. Observed: 2 variant alleles.
Comment: BCL11B: BS1, BS2

PreventionGenetics, part of Exact Sciences
Classification: Likely benign for BCL11B-related condition. Last evaluated: 2022-12-14. Review status: no assertion criteria provided. Collection method: clinical testing. Allele origin: germline. Not counted in ClinVar's aggregate classification.
Comment: This variant is classified as likely benign based on ACMG/AMP sequence variant interpretation guidelines (Richards et al. 2015 PMID: 25741868, with internal and published modifications).

NM_138576.4(BCL11B):c.293C>T (p.Pro98Leu)

Gene: BCL11B (BCL11 transcription factor B; minus strand). Cytogenetic location: 14q32.2.
Variant type: single nucleotide variant.
Coding change: c.293C>T on transcript NM_138576.4 (MANE Select); coding-DNA position 293, C replaced by T.
Protein change: p.Pro98Leu; replaces proline 98 with leucine.
Molecular consequence: missense variant.
Genome position (GRCh38, 1-based): chr14:99,257,605, G>A on the plus strand (C>T on the coding strand, the complement: BCL11B is on the minus strand). VCF-style: chr14-99257605-G-A. GRCh37 (hg19) VCF-style: chr14-99723942-G-A.
Other names: c.290C>T, p.Pro97Leu (NM_001282237.2, NM_001282238.2); c.293C>T, p.Pro98Leu (NM_022898.3); c.293C>T (NM_022898.2); short protein forms P97L, P98L.
Identifiers: ClinVar variation 1566625 (VCV001566625.33), dbSNP rs145770156, ClinGen allele CA7339923.